The following is an entry in ClinVar:

NC_000012.11:g.(?_133229014)_(133233732_?)del

Gene: POLE (DNA polymerase epsilon, catalytic subunit; minus strand). Cytogenetic location: 12q24.33.
Variant type: Deletion.
Identifiers: ClinVar variation 1400815 (VCV001400815.7).

ClinVar aggregate classification (germline): Likely pathogenic (1 of 4 stars; one submission).

Submission:

Labcorp Genetics (formerly Invitae), Labcorp
Classification: Likely pathogenic. Last evaluated: 2022-05-12. Review status: criteria provided, single submitter. Criteria: Invitae Variant Classification Sherloc (09022015). Collection method: clinical testing. Allele origin: germline.
Comment: In summary, the currently available evidence indicates that the variant is pathogenic, but additional data are needed to prove that conclusively. Therefore, this variant has been classified as Likely Pathogenic. This variant results in the deletion of part of exon 29 (c.3572_3583-2539del) of the POLE gene. It is expected to disrupt RNA splicing. Variants that disrupt the donor or acceptor splice site typically lead to a loss of protein function (PMID: 16199547), and loss-of-function variants in POLE are known to be pathogenic (PMID: 23230001, 25948378, 30503519). This variant has not been reported in the literature in individuals affected with POLE-related conditions.

Literature cited by the submitters: PubMed 16199547; PubMed 23230001; PubMed 25948378; PubMed 30503519.